The following is an entry in ClinVar:

ClinVar aggregate classification (germline): Uncertain significance. Review status: criteria provided, multiple submitters, no conflicts (2 of 4 stars). 2 submissions from 2 submitters: Uncertain significance (2). Last evaluated 2022-10-24.

Conditions:
Inborn genetic diseases. Identifiers: MedGen C0950123, MeSH D030342.

gnomAD v4.1: 3 of 1,613,482 alleles (0.00019%); highest among the groups gnomAD compares: Non-Finnish European, 0.00017%; no homozygotes.

Submissions (2):

Labcorp Genetics (formerly Invitae), Labcorp
Classification: Uncertain significance. Last evaluated: 2022-10-24. Review status: criteria provided, single submitter. Criteria: Invitae Variant Classification Sherloc (09022015). Collection method: clinical testing. Allele origin: germline.
Comment: In summary, the available evidence is currently insufficient to determine the role of this variant in disease. Therefore, it has been classified as a Variant of Uncertain Significance. Advanced modeling of protein sequence and biophysical properties (such as structural, functional, and spatial information, amino acid conservation, physicochemical variation, residue mobility, and thermodynamic stability) performed at Invitae indicates that this missense variant is not expected to disrupt CDHR1 protein function. ClinVar contains an entry for this variant (Variation ID: 1036830). This variant has not been reported in the literature in individuals affected with CDHR1-related conditions. This variant is present in population databases (no rsID available, gnomAD 0.0009%). This sequence change replaces arginine, which is basic and polar, with glutamine, which is neutral and polar, at codon 737 of the CDHR1 protein (p.Arg737Gln).

Ambry Genetics
Classification: Uncertain significance for Inborn genetic diseases. Last evaluated: 2022-01-31. Review status: criteria provided, single submitter. Criteria: Ambry Variant Classification Scheme 2023. Collection method: clinical testing. Allele origin: germline.

NM_033100.4(CDHR1):c.2210G>A (p.Arg737Gln)

Gene: CDHR1 (cadherin related family member 1; plus strand). Cytogenetic location: 10q23.1.
Variant type: single nucleotide variant.
Coding change: c.2210G>A on transcript NM_033100.4 (MANE Select); coding-DNA position 2210, G replaced by A.
Protein change: p.Arg737Gln; replaces arginine 737 with glutamine.
Molecular consequence: missense variant. On other transcripts: intron variant (1).
Genome position (GRCh38, 1-based): chr10:84,214,251, G>A. VCF-style: chr10-84214251-G-A. GRCh37 (hg19) VCF-style: chr10-85974007-G-A.
Other names: c.2210G>A (NM_033100.2); c.2040+903G>A (NM_001171971.3); short protein forms R737Q.
Identifiers: ClinVar variation 1036830 (VCV001036830.10), dbSNP rs549060738, ClinGen allele CA377379499.
Genomic context (GRCh38, chr10:84,214,251, plus strand): 5'-TCCTCATCTCCACCGCCACCTTCTGGCGCAACAAGAAGTCTAACAAGGTCCTGCCAATGC[G>A]GCGGGTGCTCCGCAAGCGGCCCAGCCCTGCGCCCCGCACCATCCGCATTGAGTGGCTCAA-3'
Protein context (NP_149091.1, residues 727-747): NKKSNKVLPM[Arg737Gln]RVLRKRPSPA